The following is an entry in ClinVar:

ClinVar aggregate classification (germline): Likely benign (0 of 4 stars; one submission).

Conditions:
EMILIN1-related disorder. Also called: EMILIN1-related condition.

Allele frequency attached by ClinVar (database versions not stated): ExAC 0.00040; ESP Exome Variant Server 0.00108; 1000 Genomes Project 0.00120; TOPMed 0.00120; gnomAD 0.00123; 1000 Genomes Project 30x 0.00141.

Submission:

PreventionGenetics, part of Exact Sciences
Classification: Likely benign for EMILIN1-related condition. Last evaluated: 2019-12-23. Review status: no assertion criteria provided. Collection method: clinical testing. Allele origin: germline.
Comment: This variant is classified as likely benign based on ACMG/AMP sequence variant interpretation guidelines (Richards et al. 2015 PMID: 25741868, with internal and published modifications).

NM_007046.4(EMILIN1):c.171-4A>G

Gene: EMILIN1 (elastin microfibril interfacer 1; plus strand). Cytogenetic location: 2p23.3.
Variant type: single nucleotide variant.
Coding change: c.171-4A>G on transcript NM_007046.4 (MANE Select); 4 bases into the intron before coding-DNA position 171, A replaced by G.
Molecular consequence: intron variant.
Genome position (GRCh38, 1-based): chr2:27,080,147, A>G. VCF-style: chr2-27080147-A-G. GRCh37 (hg19) VCF-style: chr2-27303015-A-G.
Identifiers: ClinVar variation 3048205 (VCV003048205.2), dbSNP rs111860478, ClinGen allele CA1568420.
Genomic context (GRCh38, chr2:27,080,147, plus strand): 5'-CCCTGGGCCCTCCTCCAGGGCATGTATCTTTGGTCCTTGGACCCAGAGGGGGTTGTACCT[A>G]CAGGAACTGGTGTGCCTACGTGGTGACCCGGACAGTGAGCTGTGTCCTTGAGGATGGAGT-3'